The following is an entry in ClinVar:

ClinVar aggregate classification (germline): Pathogenic (1 of 4 stars; one submission).

Conditions:
Deficiency of alpha-mannosidase (MANSA). Also called: LYSOSOMAL ALPHA-D-MANNOSIDASE DEFICIENCY; Alpha-Mannosidosis; Mannosidosis, alpha-, types I and II. Identifiers: Orphanet 61, MedGen C0024748, MONDO:0009561, OMIM 248500.

Submission:

Myriad Genetics, Inc.
Classification: Pathogenic for Deficiency of alpha-mannosidase. Last evaluated: 2026-01-01. Review status: criteria provided, single submitter. Criteria: Myriad Autosomal Dominant, Autosomal Recessive and X-Linked Classification Criteria (2023). Collection method: clinical testing. Allele origin: unknown.
Comment: NM_000528.3(MAN2B1):c.1410_1417dup8(E473Gfs*7) is expected to be pathogenic in the context of alpha-mannosidosis. This variant is predicted to lead to an abnormal or absent protein product due to the creation of a premature termination codon in MAN2B1, a gene where loss-of-function variants are known to be pathogenic. Please note: this variant was assessed in the context of healthy population screening.

NM_000528.4(MAN2B1):c.1410_1417dup (p.Glu473fs)

Genes: MAN2B1 (mannosidase alpha class 2B member 1; minus strand), LOC129391064 (MPRA-validated peak3365 silencer; plus strand). Cytogenetic location: 19p13.13.
Variant type: Duplication.
Coding change: c.1410_1417dup on transcript NM_000528.4 (MANE Select); coding-DNA positions 1410 to 1417, 8 bases duplicated (GCCTTGCG; older notation c.1410_1417dupGCCTTGCG).
Protein change: p.Glu473fs; shifts the reading frame from glutamic acid 473.
Molecular consequence: frameshift variant.
Genome position (GRCh38, 1-based): chr19:12,657,448-12,657,455, CGCAAGGC duplicated on the plus strand (GCCTTGCG on the coding strand, the reverse complement: MAN2B1 is on the minus strand); duplicating any 8 consecutive bases within chr19:12,657,448-12,657,456 gives the same sequence; the c. name uses the placement nearest the transcript's 3' end. VCF-style (leftmost placement, unchanged base first): chr19-12657447-T-TCGCAAGGC. GRCh37 (hg19) VCF-style: chr19-12768261-T-TCGCAAGGC.
Other names: c.1407_1414dup, p.Glu472fs (NM_001173498.2); c.1413_1420dup, p.Glu474fs (NM_001440570.1); short protein forms E472fs, E473fs, E474fs.
Identifiers: ClinVar variation 5015381 (VCV005015381.1).